The following is an entry in ClinVar:

NM_018896.5(CACNA1G):c.2902C>T (p.Gln968Ter)

Gene: CACNA1G (calcium voltage-gated channel subunit alpha1 G; plus strand). Cytogenetic location: 17q21.33.
Variant type: single nucleotide variant.
Coding change: c.2902C>T on transcript NM_018896.5 (MANE Select); coding-DNA position 2902, C replaced by T.
Protein change: p.Gln968Ter; replaces glutamine 968 with a stop codon.
Molecular consequence: nonsense. On other transcripts: non-coding transcript variant (5).
Genome position (GRCh38, 1-based): chr17:50,592,084, C>T. VCF-style: chr17-50592084-C-T. GRCh37 (hg19) VCF-style: chr17-48669445-C-T.
Other names: c.2902C>T, p.Gln968Ter (NM_001256324.2, NM_001256325.2, NM_001256326.2 and 24 more transcripts); short protein forms Q968*.
Identifiers: ClinVar variation 3338620 (VCV003338620.1).

ClinVar aggregate classification (germline): Uncertain significance (1 of 4 stars; one submission).

Submission:

Greenwood Genetic Center Diagnostic Laboratories, Greenwood Genetic Center
Classification: Uncertain significance. Last evaluated: 2024-05-03. Review status: criteria provided, single submitter. Criteria: ACMG Guidelines, 2015. Collection method: clinical testing. Allele origin: germline. Affected: yes.
Comment: Gene of Uncertain Significance for LOF Variants